The following is an entry in ClinVar:

ClinVar aggregate classification (germline): Likely pathogenic (1 of 4 stars; one submission).

Allele frequency attached by ClinVar (database versions not stated): gnomAD exomes below 0.00001.
gnomAD v4.1: 1 of 1,614,110 alleles (0.000062%); highest among the groups gnomAD compares: African/African-American, 0.0013%; no homozygotes.

Submission:

Mayo Clinic Laboratories, Mayo Clinic
Classification: Likely pathogenic. Last evaluated: 2022-06-13. Review status: criteria provided, single submitter. Criteria: ACMG Guidelines, 2015. Collection method: clinical testing. Allele origin: germline. Observed: 1 variant allele.
Comment: PP3, PM1, PM2, PM5, PS4_moderate

NM_000313.4(PROS1):c.461G>A (p.Cys154Tyr)

Gene: PROS1 (protein S; minus strand). Cytogenetic location: 3q11.1.
Variant type: single nucleotide variant.
Coding change: c.461G>A on transcript NM_000313.4 (MANE Select); coding-DNA position 461, G replaced by A.
Protein change: p.Cys154Tyr; replaces cysteine 154 with tyrosine.
Molecular consequence: missense variant.
Genome position (GRCh38, 1-based): chr3:93,906,029, C>T on the plus strand (G>A on the coding strand, the complement: PROS1 is on the minus strand). VCF-style: chr3-93906029-C-T. GRCh37 (hg19) VCF-style: chr3-93624873-C-T.
Other names: p.Cys154Tyr; c.557G>A, p.Cys186Tyr (NM_001314077.2); short protein forms C154Y, C186Y.
Identifiers: ClinVar variation 2683285 (VCV002683285.1), dbSNP rs2472142938, ClinGen allele CA353673702.